The following is an entry in ClinVar:

NM_004092.4(ECHS1):c.211C>T (p.Gln71Ter)

Gene: ECHS1 (enoyl-CoA hydratase, short chain 1; minus strand). Cytogenetic location: 10q26.3.
Variant type: single nucleotide variant.
Coding change: c.211C>T on transcript NM_004092.4 (MANE Select); coding-DNA position 211, C replaced by T.
Protein change: p.Gln71Ter; replaces glutamine 71 with a stop codon.
Molecular consequence: nonsense.
Genome position (GRCh38, 1-based): chr10:133,370,635, G>A on the plus strand (C>T on the coding strand, the complement: ECHS1 is on the minus strand). VCF-style: chr10-133370635-G-A. GRCh37 (hg19) VCF-style: chr10-135184139-G-A.
Other names: short protein forms Q71*.
Identifiers: ClinVar variation 4734651 (VCV004734651.1).

ClinVar aggregate classification (germline): Pathogenic (1 of 4 stars; one submission).

Submission:

Labcorp Genetics (formerly Invitae), Labcorp
Classification: Pathogenic. Last evaluated: 2026-01-12. Review status: criteria provided, single submitter. Criteria: Invitae Variant Classification Sherloc (09022015). Collection method: clinical testing. Allele origin: germline.
Comment: This sequence change creates a premature translational stop signal (p.Gln71*) in the ECHS1 gene. It is expected to result in an absent or disrupted protein product. Loss-of-function variants in ECHS1 are known to be pathogenic (PMID: 25393721, 26000322, 27090768). This variant is not present in population databases (gnomAD no frequency). This variant has not been reported in the literature in individuals affected with ECHS1-related conditions. For these reasons, this variant has been classified as Pathogenic.

Literature cited by the submitters: PubMed 25393721; PubMed 26000322; PubMed 27090768.